The following is an entry in ClinVar:

ClinVar aggregate classification (germline): Likely benign. Review status: criteria provided, multiple submitters, no conflicts (2 of 4 stars). 2 submissions from 2 submitters: Likely benign (2). Last evaluated 2018-06-14.

Allele frequency attached by ClinVar (database versions not stated): gnomAD exomes 0.01732; 1000 Genomes Project 0.01917; 1000 Genomes Project 30x 0.01936; gnomAD 0.02287 and 0.02374; TOPMed 0.02349.
gnomAD v4.1: 14,450 of 782,184 alleles (1.8%); highest among the groups gnomAD compares: African/African-American, 3.8%; 155 homozygotes.

Submissions (2):

GeneDx
Classification: Likely benign. Last evaluated: 2018-06-14. Review status: criteria provided, single submitter. Criteria: GeneDx Variant Classification (06012015). Collection method: clinical testing. Allele origin: germline. Affected: yes.
Comment: This variant is considered likely benign or benign based on one or more of the following criteria: it is a conservative change, it occurs at a poorly conserved position in the protein, it is predicted to be benign by multiple in silico algorithms, and/or has population frequency not consistent with disease.

Breakthrough Genomics
Classification: Likely benign. Review status: criteria provided, single submitter. Criteria: ACMG Guidelines, 2015. Collection method: not provided. Allele origin: germline. Inheritance: Autosomal recessive inheritance. Affected: yes.

NM_000090.4(COL3A1):c.333+130C>T

Gene: COL3A1 (collagen type III alpha 1 chain; plus strand). Cytogenetic location: 2q32.2.
Variant type: single nucleotide variant.
Coding change: c.333+130C>T on transcript NM_000090.4 (MANE Select); 130 bases into the intron after coding-DNA position 333, C replaced by T.
Molecular consequence: intron variant.
Genome position (GRCh38, 1-based): chr2:188,985,377, C>T. VCF-style: chr2-188985377-C-T. GRCh37 (hg19) VCF-style: chr2-189850103-C-T.
Identifiers: ClinVar variation 675295 (VCV000675295.2), dbSNP rs72912628, ClinGen allele CA62585906.
Genomic context (GRCh38, chr2:188,985,377, plus strand): 5'-AGATTTGAGCTTTCATCATACATTCTCTTCATTACCACATATTTGAATAATGGCACCAAA[C>T]AACAGACTGAGAATCCATAATTGTACGTGTAAAGATTTCAATTTCCCAAACTTCATATTA-3'